The following is an entry in ClinVar:

ClinVar aggregate classification (germline): Uncertain significance (1 of 4 stars; one submission).

Conditions:
Hereditary cancer-predisposing syndrome. Also called: Hereditary neoplastic syndrome; Hereditary Cancer Syndrome; Tumor predisposition; Neoplastic Syndromes, Hereditary. Identifiers: Orphanet 140162, MedGen C0027672, MeSH D009386, MONDO:0015356.

Submission:

Ambry Genetics
Classification: Uncertain significance for Hereditary cancer-predisposing syndrome. Last evaluated: 2024-06-24. Review status: criteria provided, single submitter. Criteria: Ambry Variant Classification Scheme 2023. Collection method: clinical testing. Allele origin: germline.
Comment: The p.R112P variant (also known as c.335G>C), located in coding exon 2 of the CDKN2A gene, results from a G to C substitution at nucleotide position 335. The arginine at codon 112 is replaced by proline, an amino acid with dissimilar properties. Of note, this alteration is also known as c.378G>C (p.P126P)in the p14(ARF) isoform. This alteration has been reported in 1 of 702 Spanish patients with either multiple primary melanoma or familial melanoma (Potrony M et al, J. Am. Acad. Dermatol. 2014 Nov; 71(5):888-95). This amino acid position is well conserved in available vertebrate species. In addition, this alteration is predicted to be deleterious by in silico analysis. Based on the available evidence, the clinical significance of this variant remains unclear.

Literature cited by the submitters: PubMed 25064638.

NM_000077.5(CDKN2A):c.335G>C (p.Arg112Pro)

Gene: CDKN2A (cyclin dependent kinase inhibitor 2A; minus strand). Cytogenetic location: 9p21.3.
Variant type: single nucleotide variant.
Coding change: c.335G>C on transcript NM_000077.5; coding-DNA position 335, G replaced by C.
Protein change: p.Arg112Pro; replaces arginine 112 with proline.
Molecular consequence: missense variant (on NM_000077.6). On other transcripts: synonymous variant (1), 3 prime UTR variant (1).
Genome position (GRCh38, 1-based): chr9:21,971,024, C>G on the plus strand (G>C on the coding strand, the complement: CDKN2A is on the minus strand). VCF-style: chr9-21971024-C-G. GRCh37 (hg19) VCF-style: chr9-21971023-C-G.
Other names: c.335G>C, p.Arg112Pro (NM_000077.6, NM_001195132.2); c.182G>C, p.Arg61Pro (NM_001363763.2); c.378G>C, p.Pro126= (NM_058195.4); c.*258G>C (NM_058197.5); short protein forms R112P, R61P.
Identifiers: ClinVar variation 1730600 (VCV001730600.3), dbSNP rs587782797, ClinGen allele CA373086036.
Genomic context (GRCh38, chr9:21,971,024, plus strand): 5'-GCGCGCAGGTACCGTGCGACATCGCGATGGCCCAGCTCCTCAGCCAGGTCCACGGGCAGA[C>G]GGCCCCAGGCATCGCGCACGTCCAGCCGCGCCCCGGCCCGGTGCAGCACCACCAGCGTGT-3'
Protein context (NP_000068.1, residues 102-122): ARLDVRDAWG[Arg112Pro]LPVDLAEELG